The following is an entry in ClinVar:

NM_001005242.3(PKP2):c.764T>C (p.Leu255Pro)

Gene: PKP2 (plakophilin 2; minus strand). Cytogenetic location: 12p11.21.
Variant type: single nucleotide variant.
Coding change: c.764T>C on transcript NM_001005242.3 (MANE Select); coding-DNA position 764, T replaced by C.
Protein change: p.Leu255Pro; replaces leucine 255 with proline.
Molecular consequence: missense variant.
Genome position (GRCh38, 1-based): chr12:32,878,116, A>G on the plus strand (T>C on the coding strand, the complement: PKP2 is on the minus strand). VCF-style: chr12-32878116-A-G. GRCh37 (hg19) VCF-style: chr12-33031050-A-G.
Other names: c.764T>C, p.Leu255Pro (NM_001407155.1, NM_001407156.1, NM_001407157.1 and 2 more transcripts); c.437T>C, p.Leu146Pro (NM_001407158.1, NM_001407159.1, NM_001407160.1 and 1 more transcripts); short protein forms L146P, L255P.
Identifiers: ClinVar variation 2756839 (VCV002756839.3), dbSNP rs1956951118, ClinGen allele CA384362658.

ClinVar aggregate classification (germline): Uncertain significance (1 of 4 stars; one submission).

Conditions:
Arrhythmogenic right ventricular dysplasia 9 (ARVD9). Also called: ARRHYTHMOGENIC RIGHT VENTRICULAR DYSPLASIA, FAMILIAL, 9; Arrhythmogenic Right Ventricular Dysplasia/Cardiomyopathy 9. Identifiers: MedGen C1836906, MONDO:0012180, OMIM 609040.

Submission:

Labcorp Genetics (formerly Invitae), Labcorp
Classification: Uncertain significance for Arrhythmogenic right ventricular dysplasia 9. Last evaluated: 2023-09-10. Review status: criteria provided, single submitter. Criteria: Invitae Variant Classification Sherloc (09022015). Collection method: clinical testing. Allele origin: germline.
Comment: This sequence change replaces leucine, which is neutral and non-polar, with proline, which is neutral and non-polar, at codon 255 of the PKP2 protein (p.Leu255Pro). This variant is not present in population databases (gnomAD no frequency). This variant has not been reported in the literature in individuals affected with PKP2-related conditions. An algorithm developed to predict the effect of missense changes on protein structure and function (PolyPhen-2) suggests that this variant is likely to be disruptive. In summary, the available evidence is currently insufficient to determine the role of this variant in disease. Therefore, it has been classified as a Variant of Uncertain Significance.